The following is an entry in ClinVar:

NM_001035.3(RYR2):c.10231-4_10231-3insAGCCTTTCACCAGCTAACCAGGCGTTTGAATATTCATTCTACTCCTTGGTAAACATGTGATCTTGCAATGAAATTTTCTGAATCTTAGTTTTCCCATCTTTGCAATGTGCATATTCATATCTAGTTCACAGAATTCTTGCTTCTAGCCAAGTACCCTCATTAGATACTCAAGAAATACTTGTATCCTTTTTTGATAATTCTTATATATCAAATTAATACTTATCTCTGTAAAAACTTGCAGGTTCTGTGTAACCTCTAATTACAAAGACTTCTTTAAGTGGTTTTAACTGAAATTTCCTTTGCAACTTCT

Gene: RYR2 (ryanodine receptor 2; plus strand). Cytogenetic location: 1q43.
Variant type: Insertion.
Coding change: c.10231-4_10231-3insAGCCTTTCACCAGCTAACCAGGCGTTTGAATATTCATTCTACTCCTTGGTAAACATGTGATCTTGCAATGAAATTTTCTGAATCTTAGTTTTCCCATCTTTGCAATGTGCATATTCATATCTAGTTCACAGAATTCTTGCTTCTAGCCAAGTACCCTCATTAGATACTCAAGAAATACTTGTATCCTTTTTTGATAATTCTTATATATCAAATTAATACTTATCTCTGTAAAAACTTGCAGGTTCTGTGTAACCTCTAATTACAAAGACTTCTTTAAGTGGTTTTAACTGAAATTTCCTTTGCAACTTCT on transcript NM_001035.3 (MANE Select); 4 bases into the intron before coding-DNA position 10231 through 3 bases into the intron before coding-DNA position 10231, AGCCTTTCACCAGCTAACCAGGCGTTTGAATATTCATTCTACTCCTTGGTAAACATGTGATCTTGCAATGAAATTTTCTGAATCTTAGTTTTCCCATCTTTGCAATGTGCATATTCATATCTAGTTCACAGAATTCTTGCTTCTAGCCAAGTACCCTCATTAGATACTCAAGAAATACTTGTATCCTTTTTTGATAATTCTTATATATCAAATTAATACTTATCTCTGTAAAAACTTGCAGGTTCTGTGTAACCTCTAATTACAAAGACTTCTTTAAGTGGTTTTAACTGAAATTTCCTTTGCAACTTCT inserted.
Molecular consequence: intron variant.
Genome position: GRCh38: chr1:237,711,741-237,711,742. GRCh37 (hg19): chr1:237,875,041-237,875,042.
Identifiers: ClinVar variation 4713681 (VCV004713681.1).

ClinVar aggregate classification (germline): Uncertain significance (1 of 4 stars; one submission).

Conditions:
Catecholaminergic polymorphic ventricular tachycardia 1. Also called: RYR2-Related Catecholaminergic Polymorphic Ventricular Tachycardia; VENTRICULAR TACHYCARDIA, CATECHOLAMINERGIC POLYMORPHIC, 1, WITH OR WITHOUT ATRIAL DYSFUNCTION AND/OR DILATED CARDIOMYOPATHY; VENTRICULAR TACHYCARDIA, STRESS-INDUCED POLYMORPHIC 1. Identifiers: Orphanet 3286, MedGen C1631597, MONDO:0011484, OMIM 604772.

Submission:

Labcorp Genetics (formerly Invitae), Labcorp
Classification: Uncertain significance for Catecholaminergic polymorphic ventricular tachycardia 1. Last evaluated: 2026-01-13. Review status: criteria provided, single submitter. Criteria: Invitae Variant Classification Sherloc (09022015). Collection method: clinical testing. Allele origin: germline.
Comment: This sequence change falls in intron 70 of the RYR2 gene. It does not directly change the encoded amino acid sequence of the RYR2 protein. This variant is not present in population databases (gnomAD no frequency). This variant has not been reported in the literature in individuals affected with RYR2-related conditions. Experimental studies and prediction algorithms are not available or were not evaluated, and the functional significance of this variant is currently unknown. In summary, the available evidence is currently insufficient to determine the role of this variant in disease. Therefore, it has been classified as a Variant of Uncertain Significance.